The following is an entry in ClinVar:

NC_000017.11:g.(?_31200402)_(31206391_?)del

Gene: NF1 (neurofibromin 1; plus strand). Cytogenetic location: 17q11.2.
Variant type: Deletion.
Identifiers: ClinVar variation 832511 (VCV000832511.2).

ClinVar aggregate classification (germline): Pathogenic (1 of 4 stars; one submission).

Conditions:
Neurofibromatosis, type 1 (NF1). Also called: Peripheral type neurofibromatosis; Neurofibromatosis, type I; VON RECKLINGHAUSEN DISEASE; NEUROFIBROMATOSIS, TYPE I, SOMATIC. Identifiers: Orphanet 636, MedGen C0027831, MONDO:0018975, OMIM 162200. Disease mechanism: loss of function.

Submission:

Labcorp Genetics (formerly Invitae), Labcorp
Classification: Pathogenic for Neurofibromatosis, type 1. Last evaluated: 2021-08-12. Review status: criteria provided, single submitter. Criteria: Invitae Variant Classification Sherloc (09022015). Collection method: clinical testing. Allele origin: germline.
Comment: This variant is a gross deletion of the genomic region encompassing exon(s) 9-12 of the NF1 gene. This variant would be expected to be in-frame, preserving the integrity of the reading frame. A similar copy number variant has been observed in individuals with neurofibromatosis type 1 (Invitae). This variant disrupts the p.Leu380 amino acid residue in NF1. Other variant(s) that disrupt this residue have been determined to be pathogenic (PMID: 27999334; Invitae). This suggests that this residue is clinically significant, and that variants that disrupt this residue are likely to be disease-causing. For these reasons, this variant has been classified as Pathogenic.

Literature cited by the submitters: PubMed 27999334.